The following is an entry in ClinVar:

ClinVar aggregate classification (germline): Uncertain significance. Review status: criteria provided, multiple submitters, no conflicts (2 of 4 stars). 3 submissions from 3 submitters: Uncertain significance (3). Last evaluated 2024-03-30.

Conditions:
Hereditary cancer-predisposing syndrome. Also called: Neoplastic Syndromes, Hereditary; Tumor predisposition; Hereditary neoplastic syndrome; Hereditary Cancer Syndrome. Identifiers: Orphanet 140162, MedGen C0027672, MeSH D009386, MONDO:0015356.
Endometrial carcinoma. Also called: Endometrial carcinoma, somatic. Identifiers: MedGen C0476089, MONDO:0002447, OMIM 608089, HP:0012114.

Allele frequency attached by ClinVar (database versions not stated): TOPMed below 0.00001.
gnomAD v4.1: 1 of 1,614,118 alleles (0.000062%); no homozygotes.

Submissions (3):

Baylor Genetics
Classification: Uncertain significance for Endometrial carcinoma. Last evaluated: 2024-03-30. Review status: criteria provided, single submitter. Criteria: ACMG Guidelines, 2015. Collection method: clinical testing. Allele origin: unknown.

Ambry Genetics
Classification: Uncertain significance for Hereditary cancer-predisposing syndrome. Last evaluated: 2024-03-21. Review status: criteria provided, single submitter. Criteria: Ambry Variant Classification Scheme 2023. Collection method: clinical testing. Allele origin: germline.
Comment: The p.F259S variant (also known as c.776T>C), located in coding exon 4 of the MSH3 gene, results from a T to C substitution at nucleotide position 776. The phenylalanine at codon 259 is replaced by serine, an amino acid with highly dissimilar properties. This amino acid position is highly conserved in available vertebrate species. In addition, this alteration is predicted to be deleterious by in silico analysis. Since supporting evidence is limited at this time, the clinical significance of this alteration remains unclear.

Labcorp Genetics (formerly Invitae), Labcorp
Classification: Uncertain significance. Last evaluated: 2018-11-24. Review status: criteria provided, single submitter. Criteria: Invitae Variant Classification Sherloc (09022015). Collection method: clinical testing. Allele origin: germline.
Comment: This sequence change replaces phenylalanine with serine at codon 259 of the MSH3 protein (p.Phe259Ser). The phenylalanine residue is highly conserved and there is a large physicochemical difference between phenylalanine and serine. This variant is not present in population databases (ExAC no frequency). This variant has not been reported in the literature in individuals with MSH3-related conditions. Algorithms developed to predict the effect of missense changes on protein structure and function are either unavailable or do not agree on the potential impact of this missense change (SIFT: "Deleterious"; PolyPhen-2: "Probably Damaging"; Align-GVGD: "Class C0"). In summary, the available evidence is currently insufficient to determine the role of this variant in disease. Therefore, it has been classified as a Variant of Uncertain Significance.

NM_002439.5(MSH3):c.776T>C (p.Phe259Ser)

Gene: MSH3 (mutS homolog 3; plus strand). Cytogenetic location: 5q14.1.
Variant type: single nucleotide variant.
Coding change: c.776T>C on transcript NM_002439.5 (MANE Select); coding-DNA position 776, T replaced by C.
Protein change: p.Phe259Ser; replaces phenylalanine 259 with serine.
Molecular consequence: missense variant.
Genome position (GRCh38, 1-based): chr5:80,670,293, T>C. VCF-style: chr5-80670293-T-C. GRCh37 (hg19) VCF-style: chr5-79966112-T-C.
Other names: short protein forms F259S.
Identifiers: ClinVar variation 662649 (VCV000662649.12), dbSNP rs1580550400, ClinGen allele CA360267002.